The following is an entry in ClinVar:

ClinVar aggregate classification (germline): Benign/Likely benign. Review status: criteria provided, multiple submitters, no conflicts (2 of 4 stars). 2 submissions from 2 submitters: Benign (1); Likely benign (1). Last evaluated 2026-01-01.

Allele frequency attached by ClinVar (database versions not stated): 1000 Genomes Project 0.00100; 1000 Genomes Project 30x 0.00125; TOPMed 0.00189; gnomAD exomes 0.00274; gnomAD 0.00282 and 0.00292.
gnomAD v4.1: 922 of 336,866 alleles (0.27%); highest among the groups gnomAD compares: Non-Finnish European, 0.35%; 5 homozygotes.

Submissions (2):

CeGaT Center for Human Genetics Tuebingen
Classification: Benign. Last evaluated: 2026-01-01. Review status: criteria provided, single submitter. Criteria: CeGaT Center For Human Genetics Tuebingen Variant Classification Criteria Version 2. Collection method: clinical testing. Allele origin: germline. Affected: yes. Observed: 12 variant alleles.
Comment: BRAF: BS1, BS2

GeneDx
Classification: Likely benign. Last evaluated: 2018-08-03. Review status: criteria provided, single submitter. Criteria: GeneDx Variant Classification Process June 2021. Collection method: clinical testing. Allele origin: germline. Affected: yes.

NM_004333.6(BRAF):c.1178-271T>C

Gene: BRAF (B-Raf proto-oncogene, serine/threonine kinase; minus strand). Cytogenetic location: 7q34.
Variant type: single nucleotide variant.
Coding change: c.1178-271T>C on transcript NM_004333.6 (MANE Select); 271 bases into the intron before coding-DNA position 1178, T replaced by C.
Molecular consequence: intron variant.
Genome position (GRCh38, 1-based): chr7:140,783,428, A>G on the plus strand (T>C on the coding strand, the complement: BRAF is on the minus strand). VCF-style: chr7-140783428-A-G. GRCh37 (hg19) VCF-style: chr7-140483228-A-G.
Other names: c.1178-271T>C (NM_001378474.1, NM_001378468.1, NM_001354609.2); c.1076-271T>C (NM_001378470.1); c.914-271T>C (NM_001378475.1); c.1141-345T>C (NM_001378471.1); c.1298-271T>C (NM_001374258.1, NM_001374244.1); c.1187-271T>C (NM_001378467.1); c.1022-271T>C (NM_001378472.1, NM_001378473.1); c.1178-337T>C (NM_001378469.1).
Identifiers: ClinVar variation 1192978 (VCV001192978.35), dbSNP rs189649654, ClinGen allele CA168091945.